The following is an entry in ClinVar:

NM_001384474.1(LOXHD1):c.2437+1G>A

Gene: LOXHD1 (lipoxygenase homology PLAT domains 1; minus strand). Cytogenetic location: 18q21.1.
Variant type: single nucleotide variant.
Coding change: c.2437+1G>A on transcript NM_001384474.1 (MANE Select); the canonical splice donor site of the intron after coding-DNA position 2437, G replaced by A.
Molecular consequence: splice donor variant.
Genome position (GRCh38, 1-based): chr18:46,566,256, C>T on the plus strand (G>A on the coding strand, the complement: LOXHD1 is on the minus strand). VCF-style: chr18-46566256-C-T. GRCh37 (hg19) VCF-style: chr18-44146219-C-T.
Other names: c.2437+1G>A (NM_144612.7, NM_144612.6).
Identifiers: ClinVar variation 3583354 (VCV003583354.2).
Genomic context (GRCh38, chr18:46,566,256, plus strand): 5'-TCCCCTCAGCCCCATCCCCCATGGGAAACAATGGGTGGTCCCACCACAGCCTCCTCCATA[C>T]ATTTCTGGATCTCCACCACCTCGCTGGGATACAGCTCCACCTCCAGGCGCCCGTCAGCCT-3'

ClinVar aggregate classification (germline): Likely pathogenic. Review status: criteria provided, multiple submitters, no conflicts (2 of 4 stars). 2 submissions from 2 submitters: Likely pathogenic (2). Last evaluated 2025-06-30.

Conditions:
Autosomal recessive nonsyndromic hearing loss 77. Identifiers: Orphanet 90636, MedGen C2746083, MONDO:0013119, OMIM 613079.

Submissions (2):

Myriad Genetics, Inc.
Classification: Likely pathogenic for Autosomal recessive nonsyndromic hearing loss 77. Last evaluated: 2025-06-30. Review status: criteria provided, single submitter. Criteria: Myriad Autosomal Dominant, Autosomal Recessive and X-Linked Classification Criteria (2023). Collection method: clinical testing. Allele origin: unknown.
Comment: NM_144612.6(LOXHD1):c.2437+1G>A is a variant in a canonical splice site classified as likely pathogenic in the context of non-syndromic hearing loss, LOXHD1-related. c.2437+1G>A has been observed in a case with relevant disease (PMID: 35711932). Relevant functional assessments of this variant are not available in the literature. c.2437+1G>A has not been observed in referenced population frequency databases. In summary, NM_144612.6(LOXHD1):c.2437+1G>A is a variant in a canonical splice site in a gene where loss of function is a known mechanism of disease, is predicted to disrupt protein function, and has been observed more frequently in cases with the relevant disease than in healthy populations. Please note: this variant was assessed in the context of healthy population screening.

Fulgent Genetics
Classification: Likely pathogenic for Autosomal recessive nonsyndromic hearing loss 77. Last evaluated: 2024-06-24. Review status: criteria provided, single submitter. Criteria: ACMG Guidelines, 2015. Collection method: clinical testing. Allele origin: germline.

Literature cited by the submitters: PubMed 35711932 (cited by Myriad Genetics, Inc.).